The following is an entry in ClinVar:

ClinVar aggregate classification (germline): Uncertain significance. Review status: criteria provided, multiple submitters, no conflicts (2 of 4 stars). 2 submissions from 2 submitters: Uncertain significance (2). Last evaluated 2026-03-02.

Conditions:
THBD-related disorder. Also called: THBD-related condition.

Submissions (2):

PreventionGenetics, part of Exact Sciences
Classification: Uncertain significance for THBD-related condition. Last evaluated: 2026-03-02. Review status: criteria provided, single submitter. Criteria: ACMG Guidelines, 2015. Collection method: clinical testing. Allele origin: germline.
Comment: The THBD c.1244C>T variant is predicted to result in the amino acid substitution p.Ala415Val. To our knowledge, this variant has not been reported in the literature or in a large population database (gnomAD), indicating this variant is rare. At this time, the clinical significance of this variant is uncertain due to the absence of conclusive functional and genetic evidence.

Labcorp Genetics (formerly Invitae), Labcorp
Classification: Uncertain significance. Last evaluated: 2025-10-31. Review status: criteria provided, single submitter. Criteria: Invitae Variant Classification Sherloc (09022015). Collection method: clinical testing. Allele origin: germline.
Comment: This sequence change replaces alanine, which is neutral and non-polar, with valine, which is neutral and non-polar, at codon 415 of the THBD protein (p.Ala415Val). This variant is not present in population databases (gnomAD no frequency). This variant has not been reported in the literature in individuals affected with THBD-related conditions. ClinVar contains an entry for this variant (Variation ID: 1514136). An algorithm developed to predict the effect of missense changes on protein structure and function (PolyPhen-2) suggests that this variant is likely to be disruptive. In summary, the available evidence is currently insufficient to determine the role of this variant in disease. Therefore, it has been classified as a Variant of Uncertain Significance.

NM_000361.3(THBD):c.1244C>T (p.Ala415Val)

Gene: THBD (thrombomodulin; minus strand). Cytogenetic location: 20p11.21.
Variant type: single nucleotide variant.
Coding change: c.1244C>T on transcript NM_000361.3 (MANE Select); coding-DNA position 1244, C replaced by T.
Protein change: p.Ala415Val; replaces alanine 415 with valine.
Molecular consequence: missense variant.
Genome position (GRCh38, 1-based): chr20:23,048,261, G>A on the plus strand (C>T on the coding strand, the complement: THBD is on the minus strand). VCF-style: chr20-23048261-G-A. GRCh37 (hg19) VCF-style: chr20-23028898-G-A.
Other names: c.1244C>T (NM_000361.2); short protein forms A415V.
Identifiers: ClinVar variation 1514136 (VCV001514136.9), dbSNP rs2122669808, ClinGen allele CA408405945.
Genomic context (GRCh38, chr20:23,048,261, plus strand): 5'-TCGTCCAGGATGTAGCCTTCAGGGCACTCACAGCTAGCCTGGGTGTTGGGGTCGCAGTCG[G>A]CTGGACAGGCAGTCTGGTTGCAAAACATCTGGCACCTGTGCGGCTCGTGGGGAATGGGCG-3'
Protein context (NP_000352.1, residues 405-425): QMFCNQTACP[Ala415Val]DCDPNTQASC